The following is an entry in ClinVar:

ClinVar aggregate classification (germline): not provided. Review status: no classification provided (0 of 4 stars). 4 submissions from 1 submitter: not provided (4).

Conditions:
Preeclampsia. Identifiers: Orphanet 275555, MedGen C0032914, MONDO:0005081, HP:0100602.
Small for gestational age. Also called: Low birth weight. Identifiers: MedGen C0235991, HP:0001518.
Normal pregnancy. Identifiers: MedGen C0232989.
Large for gestational age. Identifiers: MedGen C1848395, HP:0001520.

Submissions (4):

Institute of Molecular and Cell Biology, University of Tartu
No classification provided. Condition: Normal pregnancy. Review status: no classification provided. Collection method: case-control. Allele origin: unknown. Affected: yes. Study: Kasak2014.
Comment: The study aimed to determine the contribution of copy number variants in the genetic etiology of normal and complicated pregnancies. The samples represented (i) maternal blood DNA drawn from healthy pregnant women during 1st or 2nd trimester and (ii) maternal and paternal blood DNA drawn at term pregnancy cases representing normal and complicated gestations (severe preeclampsia, PE; gestational diabetes, GD; small-for-gestational age newborn, SGA; large-for-gestational age newborn, LGA). We performed CNV calling based on genome-wide genotyping dataset (Illumina HumanOmniExpress-24-v1 BeadChip) by applying three algorithms, QuantiSNP, GADA (Genome Alteration Detection Algorithm) and CNstream in parallel. The acquired CNV calls were merged with HD-CNV (Hotspot Detector for Copy Number Variants) program and only the CNVs predicted by at least two programs, were considered in subsequent analysis.

Institute of Molecular and Cell Biology, University of Tartu
No classification provided. Condition: Small for gestational age. Review status: no classification provided. Collection method: case-control. Allele origin: unknown. Affected: yes. Study: Kasak2014.
Comment: the same text as in the submission from Institute of Molecular and Cell Biology, University of Tartu above.

Institute of Molecular and Cell Biology, University of Tartu
No classification provided. Condition: Large for gestational age. Review status: no classification provided. Collection method: case-control. Allele origin: unknown. Affected: yes. Study: Kasak2014.
Comment: the same text as in the submission from Institute of Molecular and Cell Biology, University of Tartu above.

Institute of Molecular and Cell Biology, University of Tartu
No classification provided. Condition: Preeclampsia. Review status: no classification provided. Collection method: case-control. Allele origin: unknown. Affected: yes. Study: Kasak2014.
Comment: the same text as in the submission from Institute of Molecular and Cell Biology, University of Tartu above.

Literature cited by the submitters: PubMed 25666259.

Single allele

Variant type: Deletion.
Identifiers: ClinVar variation 157476 (VCV000157476.2).